The following is an entry in ClinVar:

NM_015001.3(SPEN):c.685C>T (p.Arg229Ter)

Gene: SPEN (spen family transcriptional repressor; plus strand). Cytogenetic location: 1p36.21.
Variant type: single nucleotide variant.
Coding change: c.685C>T on transcript NM_015001.3 (MANE Select); coding-DNA position 685, C replaced by T.
Protein change: p.Arg229Ter; replaces arginine 229 with a stop codon.
Molecular consequence: nonsense.
Genome position (GRCh38, 1-based): chr1:15,876,482, C>T. VCF-style: chr1-15876482-C-T. GRCh37 (hg19) VCF-style: chr1-16202977-C-T.
Other names: short protein forms R229*.
Identifiers: ClinVar variation 1709065 (VCV001709065.2), dbSNP rs2522936339, ClinGen allele CA338602190.

ClinVar aggregate classification (germline): Likely pathogenic (1 of 4 stars; one submission).

Conditions:
Radio-Tartaglia syndrome. Identifiers: Orphanet 662234, MedGen C5543339, MONDO:0859143, OMIM 619312.

Submission:

MGZ Medical Genetics Center
Classification: Likely pathogenic for Radio-Tartaglia syndrome. Last evaluated: 2022-08-26. Review status: criteria provided, single submitter. Criteria: ACMG Guidelines, 2015. Collection method: clinical testing. Allele origin: germline. Affected: yes. Observed: 1 variant allele.
Comment: ACMG criteria applied: PVS1, PM2_SUP